The following is an entry in ClinVar:

NM_004082.5(DCTN1):c.428G>A (p.Arg143Gln)

Gene: DCTN1 (dynactin subunit 1; minus strand). Cytogenetic location: 2p13.1.
Variant type: single nucleotide variant.
Coding change: c.428G>A on transcript NM_004082.5 (MANE Select); coding-DNA position 428, G replaced by A.
Protein change: p.Arg143Gln; replaces arginine 143 with glutamine.
Molecular consequence: missense variant. On other transcripts: intron variant (3).
Genome position (GRCh38, 1-based): chr2:74,374,327, C>T on the plus strand (G>A on the coding strand, the complement: DCTN1 is on the minus strand). VCF-style: chr2-74374327-C-T. GRCh37 (hg19) VCF-style: chr2-74601454-C-T.
Other names: c.428G>A (NM_004082.4); c.26G>A, p.Arg9Gln (NM_001135041.3, NM_023019.4); c.407G>A, p.Arg136Gln (NM_001190837.2); c.377G>A, p.Arg126Gln (NM_001378991.1); c.343-2599G>A (NM_001190836.2); c.364-1379G>A (NM_001378992.1); c.394-2599G>A (NM_001135040.3); short protein forms R9Q, R136Q, R126Q, R143Q.
Identifiers: ClinVar variation 1471363 (VCV001471363.9), dbSNP rs764615912, ClinGen allele CA1722465.

ClinVar aggregate classification (germline): Uncertain significance. Review status: criteria provided, multiple submitters, no conflicts (2 of 4 stars). 2 submissions from 2 submitters: Uncertain significance (2). Last evaluated 2024-07-30.

Conditions:
Inborn genetic diseases. Identifiers: MedGen C0950123, MeSH D030342.
Amyotrophic lateral sclerosis type 1 (ALS1). Also called: AMYOTROPHIC LATERAL SCLEROSIS 1, FAMILIAL. Identifiers: Orphanet 803, MedGen C1862939, MONDO:0007103, OMIM 105400.
Perry syndrome. Also called: PARKINSONISM WITH ALVEOLAR HYPOVENTILATION AND MENTAL DEPRESSION. Identifiers: Orphanet 178509, MedGen C1868594, MONDO:0008201, OMIM 168605.
Neuronopathy, distal hereditary motor, type 7B. Also called: HMN VIIB; LOWER MOTOR NEURON DISEASE, DYNACTIN TYPE; NEURONOPATHY, DISTAL HEREDITARY MOTOR, AUTOSOMAL DOMINANT 14; NEURONOPATHY, DISTAL HEREDITARY MOTOR, HARDING TYPE VIIB; NEUROPATHY, DISTAL HEREDITARY MOTOR, HARDING TYPE VIIB; NEUROPATHY, DISTAL HEREDITARY MOTOR, WITH VOCAL CORD PARALYSIS, HARDING TYPE VIIB. Identifiers: Orphanet 139589, MedGen C1843315, MONDO:0011879, OMIM 607641.

Allele frequency attached by ClinVar (database versions not stated): TOPMed 0.00002.

Submissions (2):

Labcorp Genetics (formerly Invitae), Labcorp
Classification: Uncertain significance for Amyotrophic lateral sclerosis type 1; Neuronopathy, distal hereditary motor, type 7B; Perry syndrome. Last evaluated: 2024-07-30. Review status: criteria provided, single submitter. Criteria: Invitae Variant Classification Sherloc (09022015). Collection method: clinical testing. Allele origin: germline.
Comment: This sequence change replaces arginine, which is basic and polar, with glutamine, which is neutral and polar, at codon 143 of the DCTN1 protein (p.Arg143Gln). This variant is present in population databases (rs764615912, gnomAD 0.003%). This variant has not been reported in the literature in individuals affected with DCTN1-related conditions. ClinVar contains an entry for this variant (Variation ID: 1471363). An algorithm developed to predict the effect of missense changes on protein structure and function (PolyPhen-2) suggests that this variant is likely to be tolerated. In summary, the available evidence is currently insufficient to determine the role of this variant in disease. Therefore, it has been classified as a Variant of Uncertain Significance.

Ambry Genetics
Classification: Uncertain significance for Inborn genetic diseases. Last evaluated: 2024-02-05. Review status: criteria provided, single submitter. Criteria: Ambry Variant Classification Scheme 2023. Collection method: clinical testing. Allele origin: germline.